The following is an entry in ClinVar:

NM_000271.5(NPC1):c.2177G>C (p.Arg726Thr)

Gene: NPC1 (NPC intracellular cholesterol transporter 1; minus strand). Cytogenetic location: 18q11.2.
Variant type: single nucleotide variant.
Coding change: c.2177G>C on transcript NM_000271.5 (MANE Select); coding-DNA position 2177, G replaced by C.
Protein change: p.Arg726Thr; replaces arginine 726 with threonine.
Molecular consequence: missense variant.
Genome position (GRCh38, 1-based): chr18:23,543,523, C>G on the plus strand (G>C on the coding strand, the complement: NPC1 is on the minus strand). VCF-style: chr18-23543523-C-G. GRCh37 (hg19) VCF-style: chr18-21123487-C-G.
Other names: short protein forms R726T.
Identifiers: ClinVar variation 132895 (VCV000132895.2), dbSNP rs483352890, ClinGen allele CA269827.

ClinVar aggregate classification (germline): Pathogenic (0 of 4 stars; one submission).

Conditions:
Niemann-Pick disease, type C1. Also called: NIEMANN-PICK DISEASE, VARIANT TYPE C1; NEUROVISCERAL STORAGE DISEASE WITH VERTICAL SUPRANUCLEAR OPHTHALMOPLEGIA; NIEMANN-PICK DISEASE WITH CHOLESTEROL ESTERIFICATION BLOCK; NIEMANN-PICK DISEASE WITHOUT SPHINGOMYELINASE DEFICIENCY; NIEMANN-PICK DISEASE, CHRONIC NEURONOPATHIC FORM. Identifiers: Orphanet 646, MedGen C3179455, MONDO:0009757, OMIM 257220.

Submission:

Shanghain Institute for Pediatric Research
Classification: Pathogenic for Niemann-Pick disease type C1. Review status: no assertion criteria provided. Collection method: not provided. Allele origin: germline.
ClinVar note: Converted during submission from pathogenic to Pathogenic.